The following is an entry in ClinVar:

NM_000466.3(PEX1):c.1131del (p.Asp378fs)

Gene: PEX1 (peroxisomal biogenesis factor 1; minus strand). Cytogenetic location: 7q21.2.
Variant type: Deletion.
Coding change: c.1131del on transcript NM_000466.3 (MANE Select); coding-DNA position 1131, one base deleted (A; older notation c.1131delA).
Protein change: p.Asp378fs; shifts the reading frame from aspartic acid 378.
Molecular consequence: frameshift variant.
Genome position (GRCh38, 1-based): chr7:92,517,384, T deleted on the plus strand (A on the coding strand, the reverse complement: PEX1 is on the minus strand); the first of 2 consecutive T bases (chr7:92,517,384-92,517,385); deleting either gives the same sequence. VCF-style (leftmost placement, unchanged base first): chr7-92517383-CT-C. GRCh37 (hg19) VCF-style: chr7-92146697-CT-C.
Other names: c.1131delA (NM_000466.2); c.1131del, p.Asp378fs (NM_001282677.2); c.507del, p.Asp170fs (NM_001282678.2); c.1131del (NM_000466.2); short protein forms D378fs, D170fs.
Identifiers: ClinVar variation 286796 (VCV000286796.13), dbSNP rs886043479, ClinGen allele CA10605569.
Genomic context (GRCh38, chr7:92,517,383, plus strand): 5'-TGGCATTGTTCAATTCTTCAAGTCCATTCCAGACTACTTGTAGCACACAGGCCTTCTCAT[CT>C]TCTTCATTATGATCTGACCTAATTTTTTTTTGATCTAGTGGCTCTGACATCTGCTTCTCT-3'

ClinVar aggregate classification (germline): Pathogenic/Likely pathogenic. Review status: criteria provided, multiple submitters, no conflicts (2 of 4 stars). 4 submissions from 4 submitters: Pathogenic (2); Likely pathogenic (1). 1 of the submissions does not count toward it. Last evaluated 2022-11-28.

Conditions:
Zellweger spectrum disorders (ZS). Also called: Zellweger Spectrum Disorder (ZSD); Zellweger Spectrum Disorder; Zellweger Spectrum; Zellweger syndrome. Identifiers: Orphanet 912, MedGen C0043459, MONDO:0019609.
Peroxisome biogenesis disorder 1B (PBD1B). Also called: Refsum disease, infantile form; Infantile Refsum disease; Infantile form of phytanic acid storage disease; PEROXISOME BIOGENESIS DISORDER (NEONATAL ADRENOLEUKODYSTROPHY/INFANTILE REFSUM DISEASE); INFANTILE PHYTANIC ACID STORAGE DISEASE; PEROXISOME BIOGENESIS DISORDER (NALD/IRD). Identifiers: Orphanet 44, MedGen C0282527, MONDO:0011101, OMIM 601539.

Submissions (4):

GeneDx
Classification: Likely pathogenic. Last evaluated: 2022-11-28. Review status: criteria provided, single submitter. Criteria: GeneDx Variant Classification Process June 2021. Collection method: clinical testing. Allele origin: germline. Affected: yes.
Comment: Frameshift variant predicted to result in protein truncation or nonsense mediated decay in a gene for which loss of function is a known mechanism of disease; Not observed at significant frequency in large population cohorts (gnomAD); Has not been previously published as pathogenic or benign to our knowledge

Labcorp Genetics (formerly Invitae), Labcorp
Classification: Pathogenic for Zellweger spectrum disorders. Last evaluated: 2021-10-31. Review status: criteria provided, single submitter. Criteria: Invitae Variant Classification Sherloc (09022015). Collection method: clinical testing. Allele origin: germline.
Comment: This variant is present in population databases (no rsID available, gnomAD 0.01%). This sequence change creates a premature translational stop signal (p.Asp378Metfs*9) in the PEX1 gene. It is expected to result in an absent or disrupted protein product. Loss-of-function variants in PEX1 are known to be pathogenic (PMID: 9398847, 16086329, 16141001, 21031596, 26387595, 31831025). This variant has not been reported in the literature in individuals affected with PEX1-related conditions. For these reasons, this variant has been classified as Pathogenic. ClinVar contains an entry for this variant (Variation ID: 286796).

Eurofins Ntd Llc (ga)
Classification: Pathogenic. Last evaluated: 2016-03-29. Review status: criteria provided, single submitter. Criteria: EGL Classification Definitions 2015. Collection method: clinical testing. Allele origin: germline. Observed: 1 variant allele, 1 heterozygote.

Counsyl
Classification: Likely pathogenic for Peroxisome biogenesis disorder 1B. Last evaluated: 2017-10-23. Review status: no assertion criteria provided. Collection method: clinical testing. Allele origin: unknown. Not counted in ClinVar's aggregate classification.

Literature cited by the submitters: PubMed 9398847 (cited by Labcorp Genetics (formerly Invitae), Labcorp); PubMed 16086329 (cited by Labcorp Genetics (formerly Invitae), Labcorp); PubMed 16141001 (cited by Labcorp Genetics (formerly Invitae), Labcorp); PubMed 21031596 (cited by Labcorp Genetics (formerly Invitae), Labcorp); PubMed 26387595 (cited by Labcorp Genetics (formerly Invitae), Labcorp); PubMed 31831025 (cited by Labcorp Genetics (formerly Invitae), Labcorp).